The following is an entry in ClinVar:

NM_002615.7(SERPINF1):c.816G>A (p.Met272Ile)

Gene: SERPINF1 (serpin family F member 1; plus strand). Cytogenetic location: 17p13.3.
Variant type: single nucleotide variant.
Coding change: c.816G>A on transcript NM_002615.7 (MANE Select); coding-DNA position 816, G replaced by A.
Protein change: p.Met272Ile; replaces methionine 272 with isoleucine.
Molecular consequence: missense variant.
Genome position (GRCh38, 1-based): chr17:1,776,561, G>A. VCF-style: chr17-1776561-G-A. GRCh37 (hg19) VCF-style: chr17-1679855-G-A.
Other names: c.816G>A, p.Met272Ile (NM_001329903.2); c.255G>A, p.Met85Ile (NM_001329904.2, NM_001329905.2); short protein forms M85I, M272I.
Identifiers: ClinVar variation 1913657 (VCV001913657.5), dbSNP rs2543492742, ClinGen allele CA397589597.
Genomic context (GRCh38, chr17:1,776,561, plus strand): 5'-GACTAACCACATGCTTTCTCACTTGTCTCAGATTGCCCAGCTGCCCTTGACCGGAAGCAT[G>A]AGTATCATCTTCTTCCTGCCCCTGAAAGTGACCCAGAATTTGACCTTGATAGAGGAGAGC-3'
Protein context (NP_002606.3, residues 262-282): KIAQLPLTGS[Met272Ile]SIIFFLPLKV

ClinVar aggregate classification (germline): Uncertain significance (1 of 4 stars; one submission).

Submission:

Labcorp Genetics (formerly Invitae), Labcorp
Classification: Uncertain significance. Last evaluated: 2022-09-07. Review status: criteria provided, single submitter. Criteria: Invitae Variant Classification Sherloc (09022015). Collection method: clinical testing. Allele origin: germline.
Comment: This variant is not present in population databases (gnomAD no frequency). In summary, the available evidence is currently insufficient to determine the role of this variant in disease. Therefore, it has been classified as a Variant of Uncertain Significance. Algorithms developed to predict the effect of missense changes on protein structure and function are either unavailable or do not agree on the potential impact of this missense change (SIFT: "Not Available"; PolyPhen-2: "Benign"; Align-GVGD: "Not Available"). This variant has not been reported in the literature in individuals affected with SERPINF1-related conditions. This sequence change replaces methionine, which is neutral and non-polar, with isoleucine, which is neutral and non-polar, at codon 272 of the SERPINF1 protein (p.Met272Ile).